The following is an entry in ClinVar:

ClinVar aggregate classification (germline): Uncertain significance. Review status: criteria provided, multiple submitters, no conflicts (2 of 4 stars). 2 submissions from 2 submitters: Uncertain significance (2). Last evaluated 2026-07-15.

Conditions:
Hereditary cancer-predisposing syndrome. Also called: Neoplastic Syndromes, Hereditary; Hereditary Cancer Syndrome; Hereditary neoplastic syndrome; Tumor predisposition. Identifiers: Orphanet 140162, MedGen C0027672, MeSH D009386, MONDO:0015356.
Gastrointestinal stromal tumor. Also called: Gastrointestinal stromal tumor, somatic; Gastrointestinal stroma tumor. Identifiers: Orphanet 44890, MedGen C0238198, MeSH D046152, MONDO:0011719, OMIM 606764, HP:0100723.

gnomAD v4.1: 2 of 1,613,794 alleles (0.00012%); highest among the groups gnomAD compares: Non-Finnish European, 0.00017%; no homozygotes.

Submissions (2):

Ambry Genetics
Classification: Uncertain significance for Hereditary cancer-predisposing syndrome. Last evaluated: 2026-07-15. Review status: criteria provided, single submitter. Criteria: Ambry Variant Classification Scheme 2023. Collection method: clinical testing. Allele origin: germline.
Comment: The p.F681I variant (also known as c.2041T>A), located in coding exon 14 of the KIT gene, results from a T to A substitution at nucleotide position 2041. The phenylalanine at codon 681 is replaced by isoleucine, an amino acid with highly similar properties. This amino acid position is highly conserved in available vertebrate species. In addition, this alteration is predicted to be deleterious by in silico analysis. Based on the available evidence, the clinical significance of this variant remains unclear.

Labcorp Genetics (formerly Invitae), Labcorp
Classification: Uncertain significance for Gastrointestinal stromal tumor. Last evaluated: 2020-03-28. Review status: criteria provided, single submitter. Criteria: Invitae Variant Classification Sherloc (09022015). Collection method: clinical testing. Allele origin: germline.
Comment: In summary, the available evidence is currently insufficient to determine the role of this variant in disease. Therefore, it has been classified as a Variant of Uncertain Significance. This sequence change replaces phenylalanine with isoleucine at codon 681 of the KIT protein (p.Phe681Ile). The phenylalanine residue is highly conserved and there is a small physicochemical difference between phenylalanine and isoleucine. This variant is not present in population databases (ExAC no frequency). This variant has not been reported in the literature in individuals with KIT-related conditions. ClinVar contains an entry for this variant (Variation ID: 578551). Algorithms developed to predict the effect of missense changes on protein structure and function are either unavailable or do not agree on the potential impact of this missense change (SIFT: "Deleterious"; PolyPhen-2: "Probably Damaging"; Align-GVGD: "Class C0").

NM_000222.3(KIT):c.2041T>A (p.Phe681Ile)

Gene: KIT (KIT proto-oncogene, receptor tyrosine kinase; plus strand). Cytogenetic location: 4q12.
Variant type: single nucleotide variant.
Coding change: c.2041T>A on transcript NM_000222.3 (MANE Select); coding-DNA position 2041, T replaced by A.
Protein change: p.Phe681Ile; replaces phenylalanine 681 with isoleucine.
Molecular consequence: missense variant.
Genome position (GRCh38, 1-based): chr4:54,729,385, T>A. VCF-style: chr4-54729385-T-A. GRCh37 (hg19) VCF-style: chr4-55595551-T-A.
Other names: c.2041T>A, p.Phe681Ile (NM_001385285.1); c.2029T>A, p.Phe677Ile (NM_001385286.1, NM_001093772.2); c.2032T>A, p.Phe678Ile (NM_001385288.1, NM_001385292.1); c.2044T>A, p.Phe682Ile (NM_001385290.1, NM_001385284.1); short protein forms F681I, F677I, F678I, F682I.
Identifiers: ClinVar variation 578551 (VCV000578551.11), dbSNP rs1560419344, ClinGen allele CA356909424.